The following is an entry in ClinVar:

NM_001354604.2(MITF):c.795T>A (p.Tyr265Ter)

Gene: MITF (melanocyte inducing transcription factor; plus strand). Cytogenetic location: 3p13.
Variant type: single nucleotide variant.
Coding change: c.795T>A on transcript NM_001354604.2 (MANE Select); coding-DNA position 795, T replaced by A.
Protein change: p.Tyr265Ter; replaces tyrosine 265 with a stop codon.
Molecular consequence: nonsense.
Genome position (GRCh38, 1-based): chr3:69,949,083, T>A. VCF-style: chr3-69949083-T-A. GRCh37 (hg19) VCF-style: chr3-69998234-T-A.
Other names: c.474T>A, p.Tyr158Ter (NM_000248.4, NM_198158.3); c.639T>A, p.Tyr213Ter (NM_001184967.2, NM_001354608.2); c.792T>A, p.Tyr264Ter (NM_001354605.2, NM_001354606.2, NM_006722.3); c.744T>A, p.Tyr248Ter (NM_001354607.2); c.795T>A, p.Tyr265Ter (NM_198159.3); c.747T>A, p.Tyr249Ter (NM_198177.3); c.306T>A, p.Tyr102Ter (NM_198178.3); short protein forms Y102*, Y158*, Y213*, Y248*, Y249*, Y264*, Y265*.
Identifiers: ClinVar variation 3759605 (VCV003759605.2).

ClinVar aggregate classification (germline): Pathogenic (1 of 4 stars; one submission).

Conditions:
Melanoma, cutaneous malignant, susceptibility to, 8. Also called: MELANOMA AND RENAL CELL CARCINOMA, SUSCEPTIBILITY TO; Cutaneous malignant melanoma 8. Identifiers: Orphanet 293822, MedGen C3152204, MONDO:0013759, OMIM 614456.
Tietz syndrome (TADS). Also called: ALBINISM-DEAFNESS OF TIETZ; HYPOPIGMENTATION/DEAFNESS OF TIETZ; TIETZ ALBINISM-DEAFNESS SYNDROME. Identifiers: Orphanet 42665, MedGen C0391816, MONDO:0007077, OMIM 103500.
Waardenburg syndrome type 2A (WS2A). Also called: WAARDENBURG SYNDROME WITHOUT DYSTOPIA CANTHORUM. Identifiers: Orphanet 3440, MedGen C1860339, MONDO:0008671, OMIM 193510.

Submission:

Labcorp Genetics (formerly Invitae), Labcorp
Classification: Pathogenic for Melanoma, cutaneous malignant, susceptibility to, 8; Waardenburg syndrome type 2A; Tietz syndrome. Last evaluated: 2024-11-19. Review status: criteria provided, single submitter. Criteria: Invitae Variant Classification Sherloc (09022015). Collection method: clinical testing. Allele origin: germline.
Comment: This sequence change creates a premature translational stop signal (p.Tyr158*) in the MITF gene. It is expected to result in an absent or disrupted protein product. Loss-of-function variants in MITF are known to be pathogenic (PMID: 8659547, 20127975). This variant is not present in population databases (gnomAD no frequency). This premature translational stop signal has been observed in individual(s) with Waardenburg syndrome (PMID: 34416374). This variant is also known as p.Tyr265*. For these reasons, this variant has been classified as Pathogenic.

Literature cited by the submitters: PubMed 8659547; PubMed 20127975; PubMed 34416374.